The following is an entry in ClinVar:

NM_001171613.2(PREPL):c.932A>G (p.Asp311Gly)

Gene: PREPL (prolyl endopeptidase like; minus strand). Cytogenetic location: 2p21.
Variant type: single nucleotide variant.
Coding change: c.932A>G on transcript NM_001171613.2 (MANE Select); coding-DNA position 932, A replaced by G.
Protein change: p.Asp311Gly; replaces aspartic acid 311 with glycine.
Molecular consequence: missense variant. On other transcripts: intron variant (1).
Genome position (GRCh38, 1-based): chr2:44,332,613, T>C on the plus strand (A>G on the coding strand, the complement: PREPL is on the minus strand). VCF-style: chr2-44332613-T-C. GRCh37 (hg19) VCF-style: chr2-44559752-T-C.
Other names: c.1013A>G, p.Asp338Gly (NM_001042385.2); c.1199A>G, p.Asp400Gly (NM_001171603.1, NM_001171606.2, NM_001374275.1 and 2 more transcripts); c.932A>G, p.Asp311Gly (NM_001171617.1, NM_001374277.1); c.1156-3501A>G (NM_001042386.2); short protein forms D311G, D400G, D338G.
Identifiers: ClinVar variation 2074559 (VCV002074559.4), dbSNP rs764358069, ClinGen allele CA1641290.

ClinVar aggregate classification (germline): Uncertain significance (1 of 4 stars; one submission).

Conditions:
Myasthenic syndrome, congenital, 22 (CMS22). Also called: PREPL DEFICIENCY. Identifiers: MedGen C4479088, MONDO:0044299, OMIM 616224.

Allele frequency attached by ClinVar (database versions not stated): ExAC 0.00002; gnomAD exomes below 0.00001.
gnomAD v4.1: 2 of 1,613,932 alleles (0.00012%); highest among the groups gnomAD compares: South Asian, 0.0022%; no homozygotes.

Submission:

Labcorp Genetics (formerly Invitae), Labcorp
Classification: Uncertain significance for Myasthenic syndrome, congenital, 22. Last evaluated: 2025-08-11. Review status: criteria provided, single submitter. Criteria: Invitae Variant Classification Sherloc (09022015). Collection method: clinical testing. Allele origin: germline.
Comment: This sequence change replaces aspartic acid, which is acidic and polar, with glycine, which is neutral and non-polar, at codon 400 of the PREPL protein (p.Asp400Gly). This variant is present in population databases (rs764358069, gnomAD 0.006%). This variant has not been reported in the literature in individuals affected with PREPL-related conditions. ClinVar contains an entry for this variant (Variation ID: 2074559). Invitae Evidence Modeling of protein sequence and biophysical properties (such as structural, functional, and spatial information, amino acid conservation, physicochemical variation, residue mobility, and thermodynamic stability) indicates that this missense variant is not expected to disrupt PREPL protein function with a negative predictive value of 80%. In summary, the available evidence is currently insufficient to determine the role of this variant in disease. Therefore, it has been classified as a Variant of Uncertain Significance.